The following is an entry in ClinVar:

ClinVar aggregate classification (germline): Likely benign (1 of 4 stars; one submission).

gnomAD v4.1: 4 of 1,574,540 alleles (0.00025%); highest among the groups gnomAD compares: Non-Finnish European, 0.00034%; no homozygotes.

Submission:

Mayo Clinic Laboratories, Mayo Clinic
Classification: Likely benign. Last evaluated: 2025-04-17. Review status: criteria provided, single submitter. Criteria: ACMG Guidelines, 2015. Collection method: clinical testing. Allele origin: germline. Observed: 1 variant allele.
Comment: BP4, BP7

NM_003719.5(PDE8B):c.309C>G (p.Ala103=)

Gene: PDE8B (phosphodiesterase 8B; plus strand). Cytogenetic location: 5q13.3.
Variant type: single nucleotide variant.
Coding change: c.309C>G on transcript NM_003719.5 (MANE Select); coding-DNA position 309, C replaced by G.
Protein change: p.Ala103=; no amino-acid change (alanine 103 retained).
Molecular consequence: synonymous variant. On other transcripts: 5 prime UTR variant (1), intron variant (15).
Genome position (GRCh38, 1-based): chr5:77,211,234, C>G. VCF-style: chr5-77211234-C-G. GRCh37 (hg19) VCF-style: chr5-76507059-C-G.
Other names: p.Ala103=; c.309C>G, p.Ala103= (NM_001029852.4, NM_001029853.4, NM_001029854.4 and 7 more transcripts); c.-61C>G (NM_001349753.2); c.-34+92713C>G (NM_001414622.1, NM_001414623.1); c.36+30748C>G (NM_001349750.3, NM_001376069.1, NM_001376062.1 and 7 more transcripts); c.-34+1188C>G (NM_001376067.1, NM_001376075.1); c.-31+1188C>G (NM_001376068.1).
Identifiers: ClinVar variation 4684844 (VCV004684844.1).